The following is an entry in ClinVar:

NM_001077350.3(NPRL3):c.-67-2A>T

Genes: HBA-LCR (alpha-globin locus control region; plus strand), NPRL3 (NPR3 like, GATOR1 complex subunit; minus strand). Cytogenetic location: 16p13.3.
Variant type: single nucleotide variant.
Coding change: c.-67-2A>T on transcript NM_001077350.3 (MANE Select); the canonical splice acceptor site of the intron before 67 bases upstream of the start codon, A replaced by T.
Molecular consequence: splice acceptor variant. On other transcripts: 5 prime UTR variant (2).
Genome position (GRCh38, 1-based): chr16:138,336, T>A on the plus strand (A>T on the coding strand, the complement: NPRL3 is on the minus strand). VCF-style: chr16-138336-T-A. GRCh37 (hg19) VCF-style: chr16-188335-T-A.
Other names: NC_000016.9:g.188335T>A; c.-401A>T (NM_001039476.3); c.-69A>T (NM_001243249.2); c.-438-2A>T (NM_001243247.2); c.-67-2A>T (NM_001243248.2).
Identifiers: ClinVar variation 1279861 (VCV001279861.32), dbSNP rs2857995, ClinGen allele CA276426409.

ClinVar aggregate classification (germline): Benign/Likely benign. Review status: criteria provided, multiple submitters, no conflicts (2 of 4 stars). 3 submissions from 3 submitters: Benign (2); Likely benign (1). Last evaluated 2023-10-01.

Allele frequency attached by ClinVar (database versions not stated): gnomAD 0.00030.
gnomAD v4.1: 5,475 of 545,638 alleles (1%); highest among the groups gnomAD compares: Admixed American, 3.1%; no homozygotes.

Submissions (10):

CeGaT Center for Human Genetics Tuebingen
Classification: Likely benign. Last evaluated: 2023-10-01. Review status: criteria provided, single submitter. Criteria: CeGaT Center For Human Genetics Tuebingen Variant Classification Criteria Version 2. Collection method: clinical testing. Allele origin: germline. Affected: yes. Observed: 7 variant alleles.
Comment: NPRL3: BS1

GeneDx
Classification: Benign. Last evaluated: 2019-01-18. Review status: criteria provided, single submitter. Criteria: GeneDx Variant Classification Process June 2021. Collection method: clinical testing. Allele origin: germline. Affected: yes.

Breakthrough Genomics
Classification: Benign. Review status: criteria provided, single submitter. Criteria: ACMG Guidelines, 2015. Collection method: not provided. Allele origin: germline. Inheritance: Autosomal dominant inheritance. Affected: yes.

Dr. Peter K. Rogan Lab, Western University
No classification provided (evidence only). Condition: Hepatocellular carcinoma. Review status: no classification provided. Collection method: in vitro. Allele origin: not applicable. Functional consequence: retained intron. Not counted in ClinVar's aggregate classification.

Dr. Peter K. Rogan Lab, Western University
No classification provided (evidence only). Condition: Thymoma. Review status: no classification provided. Collection method: in vitro. Allele origin: not applicable. Functional consequence: retained intron. Not counted in ClinVar's aggregate classification.

Dr. Peter K. Rogan Lab, Western University
No classification provided (evidence only). Condition: Cholangiocarcinoma. Review status: no classification provided. Collection method: in vitro. Allele origin: not applicable. Functional consequence: retained intron. Not counted in ClinVar's aggregate classification.

Dr. Peter K. Rogan Lab, Western University
No classification provided (evidence only). Condition: Cholangiocarcinoma. Review status: no classification provided. Collection method: in vitro. Allele origin: not applicable. Functional consequence: retained intron. Not counted in ClinVar's aggregate classification.

Dr. Peter K. Rogan Lab, Western University
No classification provided (evidence only). Condition: Uterine carcinosarcoma. Review status: no classification provided. Collection method: in vitro. Allele origin: not applicable. Functional consequence: retained intron. Not counted in ClinVar's aggregate classification.

Dr. Peter K. Rogan Lab, Western University
No classification provided (evidence only). Condition: Uterine carcinosarcoma. Review status: no classification provided. Collection method: in vitro. Allele origin: not applicable. Functional consequence: retained intron. Not counted in ClinVar's aggregate classification.

Dr. Peter K. Rogan Lab, Western University
No classification provided (evidence only). Condition: Uterine carcinosarcoma. Review status: no classification provided. Collection method: in vitro. Allele origin: not applicable. Functional consequence: retained intron. Not counted in ClinVar's aggregate classification.